The following is an entry in ClinVar:

ClinVar aggregate classification (germline): Uncertain significance. Review status: criteria provided, multiple submitters, no conflicts (2 of 4 stars). 4 submissions from 4 submitters: Uncertain significance (4). Last evaluated 2026-09-24.

Conditions:
TTN-related disorder. Also called: TTN-related disorders; TTN-related condition; TTN-related disease.
Cardiovascular phenotype. Identifiers: MedGen CN230736.

Allele frequency attached by ClinVar (database versions not stated): gnomAD exomes 0.00002; 1000 Genomes Project 0.00020; 1000 Genomes Project 30x 0.00031; TOPMed below 0.00001; ExAC 0.00002; gnomAD 0.00001.
gnomAD v4.1: 21 of 1,614,174 alleles (0.0013%); highest among the groups gnomAD compares: Middle Eastern, 0.016%; no homozygotes.

Submissions (4):

GeneDx
Classification: Uncertain significance. Last evaluated: 2026-09-24. Review status: criteria provided, single submitter. Criteria: GeneDx Variant Classification Process June 2021. Collection method: clinical testing. Allele origin: germline.
Comment: Not observed at significant frequency in large population cohorts (gnomAD); Missense variant in a gene in which most reported pathogenic variants are truncating/loss of function; Has not been previously published as pathogenic or benign to our knowledge

PreventionGenetics, part of Exact Sciences
Classification: Uncertain significance for TTN-related condition. Last evaluated: 2026-03-17. Review status: criteria provided, single submitter. Criteria: ACMG Guidelines, 2015. Collection method: clinical testing. Allele origin: germline.
Comment: The TTN c.8374G>A variant is predicted to result in the amino acid substitution p.Val2792Met. To our knowledge, this variant has not been reported in the literature. This variant is reported in 0.0098% of alleles in individuals of South Asian descent in gnomAD. At this time, the clinical significance of this variant is uncertain due to the absence of conclusive functional and genetic evidence.

Athena Diagnostics
Classification: Uncertain significance. Last evaluated: 2025-02-05. Review status: criteria provided, single submitter. Criteria: Athena Diagnostics Criteria. Collection method: clinical testing. Allele origin: unknown.
Comment: Available data are insufficient to determine the clinical significance of the variant at this time. The frequency of this variant in the general population is uninformative in assessment of its pathogenicity. Polyphen and MutationTaster yielded discordant predictions regarding whether this amino acid change is damaging to the protein.

Ambry Genetics
Classification: Uncertain significance for Cardiovascular phenotype. Last evaluated: 2019-12-12. Review status: criteria provided, single submitter. Criteria: Ambry Variant Classification Scheme 2023. Collection method: clinical testing. Allele origin: germline.
Comment: The p.V2746M variant (also known as c.8236G>A), located in coding exon 33 of the TTN gene, results from a G to A substitution at nucleotide position 8236. The valine at codon 2746 is replaced by methionine, an amino acid with highly similar properties. This amino acid position is highly conserved in available vertebrate species. In addition, the in silico prediction for this alteration is inconclusive. Since supporting evidence is limited at this time, the clinical significance of this alteration remains unclear.

NM_001267550.2(TTN):c.8374G>A (p.Val2792Met)

Gene: TTN (titin; minus strand). Cytogenetic location: 2q31.2.
Variant type: single nucleotide variant.
Coding change: c.8374G>A on transcript NM_001267550.2 (MANE Select); coding-DNA position 8374, G replaced by A.
Protein change: p.Val2792Met; replaces valine 2792 with methionine.
Molecular consequence: missense variant.
Genome position (GRCh38, 1-based): chr2:178,770,418, C>T on the plus strand (G>A on the coding strand, the complement: TTN is on the minus strand). VCF-style: chr2-178770418-C-T. GRCh37 (hg19) VCF-style: chr2-179635145-C-T.
Other names: c.8374G>A, p.Val2792Met (NM_001256850.1, NM_133378.4, NM_133379.5); c.8236G>A, p.Val2746Met (NM_003319.4, NM_133432.3, NM_133437.4); short protein forms V2746M, V2792M.
Identifiers: ClinVar variation 1328576 (VCV001328576.8), dbSNP rs79645147, ClinGen allele CA2004606.